The following is an entry in ClinVar:

ClinVar aggregate classification (germline): Uncertain significance (1 of 4 stars; one submission).

Submission:

Labcorp Genetics (formerly Invitae), Labcorp
Classification: Uncertain significance. Last evaluated: 2024-06-04. Review status: criteria provided, single submitter. Criteria: Invitae Variant Classification Sherloc (09022015). Collection method: clinical testing. Allele origin: germline.
Comment: This sequence change replaces serine, which is neutral and polar, with threonine, which is neutral and polar, at codon 866 of the HIVEP2 protein (p.Ser866Thr). This variant is not present in population databases (gnomAD no frequency). This variant has not been reported in the literature in individuals affected with HIVEP2-related conditions. Advanced modeling of protein sequence and biophysical properties (such as structural, functional, and spatial information, amino acid conservation, physicochemical variation, residue mobility, and thermodynamic stability) performed at Invitae indicates that this missense variant is not expected to disrupt HIVEP2 protein function with a negative predictive value of 80%. In summary, the available evidence is currently insufficient to determine the role of this variant in disease. Therefore, it has been classified as a Variant of Uncertain Significance.

NM_006734.4(HIVEP2):c.2596T>A (p.Ser866Thr)

Gene: HIVEP2 (HIVEP zinc finger 2; minus strand). Cytogenetic location: 6q24.2.
Variant type: single nucleotide variant.
Coding change: c.2596T>A on transcript NM_006734.4 (MANE Select); coding-DNA position 2596, T replaced by A.
Protein change: p.Ser866Thr; replaces serine 866 with threonine.
Molecular consequence: missense variant.
Genome position (GRCh38, 1-based): chr6:142,772,143, A>T on the plus strand (T>A on the coding strand, the complement: HIVEP2 is on the minus strand). VCF-style: chr6-142772143-A-T. GRCh37 (hg19) VCF-style: chr6-143093280-A-T.
Other names: short protein forms S866T.
Identifiers: ClinVar variation 3655520 (VCV003655520.2).